The following is an entry in ClinVar:

NM_001128148.3(TFRC):c.1181A>G (p.Lys394Arg)

Gene: TFRC (transferrin receptor; minus strand). Cytogenetic location: 3q29.
Variant type: single nucleotide variant.
Coding change: c.1181A>G on transcript NM_001128148.3 (MANE Select); coding-DNA position 1181, A replaced by G.
Protein change: p.Lys394Arg; replaces lysine 394 with arginine.
Molecular consequence: missense variant.
Genome position (GRCh38, 1-based): chr3:196,065,460, T>C on the plus strand (A>G on the coding strand, the complement: TFRC is on the minus strand). VCF-style: chr3-196065460-T-C. GRCh37 (hg19) VCF-style: chr3-195792331-T-C.
Other names: c.938A>G, p.Lys313Arg (NM_001313965.2); c.335A>G, p.Lys112Arg (NM_001313966.2); c.1181A>G, p.Lys394Arg (NM_003234.4); short protein forms K112R, K394R, K313R.
Identifiers: ClinVar variation 1028096 (VCV001028096.1), dbSNP rs1717655314, ClinGen allele CA355572187.

ClinVar aggregate classification (germline): Uncertain significance (1 of 4 stars; one submission).

Conditions:
TFRC-related combined immunodeficiency. Also called: Immunodeficiency 46. Identifiers: Orphanet 476113, MedGen C5568133, MONDO:0014760, OMIM 616740.

Submission:

Baylor Genetics
Classification: Uncertain significance for TFRC-related combined immunodeficiency. Last evaluated: 2019-08-27. Review status: criteria provided, single submitter. Criteria: ACMG Guidelines, 2015. Collection method: clinical testing. Allele origin: unknown. Affected: yes.
Comment: This variant was determined to be of uncertain significance according to ACMG Guidelines, 2015 [PMID:25741868].